The following is an entry in ClinVar:

NM_018451.5(CPAP):c.2571C>G (p.Ser857Arg)

Gene: CPAP (centrosome assembly and centriole elongation protein; minus strand). Cytogenetic location: 13q12.13.
Variant type: single nucleotide variant.
Coding change: c.2571C>G on transcript NM_018451.5 (MANE Select); coding-DNA position 2571, C replaced by G.
Protein change: p.Ser857Arg; replaces serine 857 with arginine.
Molecular consequence: missense variant. On other transcripts: non-coding transcript variant (2).
Genome position (GRCh38, 1-based): chr13:24,905,467, G>C on the plus strand (C>G on the coding strand, the complement: CPAP is on the minus strand). VCF-style: chr13-24905467-G-C. GRCh37 (hg19) VCF-style: chr13-25479605-G-C.
Other names: c.2571C>G (NM_018451.3); short protein forms S857R.
Identifiers: ClinVar variation 311617 (VCV000311617.16), dbSNP rs78628025, ClinGen allele CA6919577.

ClinVar aggregate classification (germline): Conflicting classifications of pathogenicity. Review status: criteria provided, conflicting classifications (1 of 4 stars). 5 submissions from 4 submitters: Uncertain significance (1); Likely benign (3). 1 of the submissions does not count toward it. Last evaluated 2025-06-12.

Conditions:
Inborn genetic diseases. Identifiers: MedGen C0950123, MeSH D030342.
Seckel syndrome 4 (SCKL4). Identifiers: Orphanet 808, MedGen C3888212, MONDO:0013358, OMIM 613676.
CENPJ-related disorder. Also called: CENPJ-related disorders; CENPJ-related condition.
Microcephaly 6, primary, autosomal recessive. Identifiers: Orphanet 2512, MedGen C1842109, MONDO:0012029, OMIM 608393.

Allele frequency attached by ClinVar (database versions not stated): gnomAD exomes 0.00014 and 0.00029; ExAC 0.00036; gnomAD 0.00092 and 0.00094; 1000 Genomes Project 30x 0.00094; 1000 Genomes Project 0.00100; TOPMed 0.00100; ESP Exome Variant Server 0.00108.
gnomAD v4.1: 352 of 1,614,082 alleles (0.022%); highest among the groups gnomAD compares: African/African-American, 0.35%; no homozygotes.

Submissions (5):

Labcorp Genetics (formerly Invitae), Labcorp
Classification: Likely benign. Last evaluated: 2025-06-12. Review status: criteria provided, single submitter. Criteria: Invitae Variant Classification Sherloc (09022015). Collection method: clinical testing. Allele origin: germline.

Ambry Genetics
Classification: Likely benign for Inborn genetic diseases. Last evaluated: 2022-06-24. Review status: criteria provided, single submitter. Criteria: Ambry Variant Classification Scheme 2023. Collection method: clinical testing. Allele origin: germline.

Illumina Laboratory Services, Illumina
Classification: Uncertain significance for Microcephaly 6, primary, autosomal recessive. Last evaluated: 2018-01-13. Review status: criteria provided, single submitter. Criteria: ICSL Variant Classification Criteria 13 December 2019. Collection method: clinical testing. Allele origin: germline.

Illumina Laboratory Services, Illumina
Classification: Likely benign for Seckel syndrome 4. Last evaluated: 2018-01-13. Review status: criteria provided, single submitter. Criteria: ICSL Variant Classification Criteria 13 December 2019. Collection method: clinical testing. Allele origin: germline.
Comment: This variant was observed in the ICSL laboratory as part of a predisposition screen in an ostensibly healthy population. It had not been previously curated by ICSL or reported in the Human Gene Mutation Database (HGMD: prior to June 1st, 2018), and was therefore a candidate for classification through an automated scoring system. Utilizing variant allele frequency, disease prevalence and penetrance estimates, and inheritance mode, an automated score was calculated to assess if this variant is too frequent to cause the disease. Based on the score and internal cut-off values, a variant classified as likely benign is not then subjected to further curation. The score for this variant resulted in a classification of likely benign for this disease.

PreventionGenetics, part of Exact Sciences
Classification: Likely benign for CENPJ-related condition. Last evaluated: 2022-12-28. Review status: no assertion criteria provided. Collection method: clinical testing. Allele origin: germline. Not counted in ClinVar's aggregate classification.
Comment: This variant is classified as likely benign based on ACMG/AMP sequence variant interpretation guidelines (Richards et al. 2015 PMID: 25741868, with internal and published modifications).